The following is an entry in ClinVar:

ClinVar aggregate classification (germline): Uncertain significance. Review status: criteria provided, multiple submitters, no conflicts (2 of 4 stars). 3 submissions from 3 submitters: Uncertain significance (3). Last evaluated 2024-09-30.

Allele frequency attached by ClinVar (database versions not stated): ExAC 0.00002; gnomAD 0.00003; gnomAD exomes 0.00004.
gnomAD v4.1: 58 of 1,598,688 alleles (0.0036%); highest among the groups gnomAD compares: Non-Finnish European, 0.0049%; no homozygotes.

Submissions (3):

Blueprint Genetics
Classification: Uncertain significance. Last evaluated: 2024-09-30. Review status: criteria provided, single submitter. Criteria: ACMG Guidelines, 2015. Collection method: clinical testing. Allele origin: germline.

Ambry Genetics
Classification: Uncertain significance. Last evaluated: 2022-07-20. Review status: criteria provided, single submitter. Criteria: Ambry Variant Classification Scheme 2023. Collection method: clinical testing. Allele origin: germline.

Labcorp Genetics (formerly Invitae), Labcorp
Classification: Uncertain significance. Last evaluated: 2022-05-14. Review status: criteria provided, single submitter. Criteria: Invitae Variant Classification Sherloc (09022015). Collection method: clinical testing. Allele origin: germline.
Comment: This sequence change replaces glycine, which is neutral and non-polar, with serine, which is neutral and polar, at codon 278 of the SAMD11 protein (p.Gly278Ser). This variant is present in population databases (rs752252633, gnomAD 0.005%). This variant has not been reported in the literature in individuals affected with SAMD11-related conditions. Algorithms developed to predict the effect of missense changes on protein structure and function output the following: SIFT: "Tolerated"; PolyPhen-2: "Benign"; Align-GVGD: "Class C0". The serine amino acid residue is found in multiple mammalian species, which suggests that this missense change does not adversely affect protein function. In summary, the available evidence is currently insufficient to determine the role of this variant in disease. Therefore, it has been classified as a Variant of Uncertain Significance.

NM_001385641.1(SAMD11):c.1321G>A (p.Gly441Ser)

Gene: SAMD11 (sterile alpha motif domain containing 11; plus strand). Cytogenetic location: 1p36.33.
Variant type: single nucleotide variant.
Coding change: c.1321G>A on transcript NM_001385641.1 (MANE Select); coding-DNA position 1321, G replaced by A.
Protein change: p.Gly441Ser; replaces glycine 441 with serine.
Molecular consequence: missense variant.
Genome position (GRCh38, 1-based): chr1:941,269, G>A. VCF-style: chr1-941269-G-A. GRCh37 (hg19) VCF-style: chr1-876649-G-A.
Other names: c.1324G>A, p.Gly442Ser (NM_001385640.1); c.832G>A, p.Gly278Ser (NM_152486.4); c.832G>A (NM_152486.2); short protein forms G278S, G441S, G442S.
Identifiers: ClinVar variation 2302573 (VCV002302573.6), dbSNP rs752252633, ClinGen allele CA502820.